The following is an entry in ClinVar:

ClinVar aggregate classification (germline): Likely pathogenic (1 of 4 stars; one submission).

Allele frequency attached by ClinVar (database versions not stated): gnomAD exomes 0.00001.
gnomAD v4.1: 12 of 1,614,190 alleles (0.00074%); highest among the groups gnomAD compares: Non-Finnish European, 0.001%; no homozygotes.

Submission:

GeneDx
Classification: Likely pathogenic. Last evaluated: 2016-01-25. Review status: criteria provided, single submitter. Criteria: GeneDx Variant Classification (06012015). Collection method: clinical testing. Allele origin: germline. Affected: yes.
Comment: The G345E variant in the FUCA1 gene has been reported previously, using alternate nomenclature as G340E, in the compound heterozygous state in a patient with fucosidosis (Prietsch et al., 2008). The G345E variant was not observed in approximately 6500 individuals of European and African American ancestry in the NHLBI Exome Sequencing Project, indicating it is not a common benign variant in these populations. The G345E variant is a non-conservative amino acid substitution, which occurs at a position that is conserved across species. In silico analysis predicts this variant is probably damaging to the protein structure/function. The G345E variant is a strong candidate for a pathogenic variant, however the possibility it may be a rare benign variant cannot be excluded.

NM_000147.5(FUCA1):c.1034G>A (p.Gly345Glu)

Gene: FUCA1 (alpha-L-fucosidase 1; minus strand). Cytogenetic location: 1p36.11.
Variant type: single nucleotide variant.
Coding change: c.1034G>A on transcript NM_000147.5 (MANE Select); coding-DNA position 1034, G replaced by A.
Protein change: p.Gly345Glu; replaces glycine 345 with glutamic acid.
Molecular consequence: missense variant.
Genome position (GRCh38, 1-based): chr1:23,848,775, C>T on the plus strand (G>A on the coding strand, the complement: FUCA1 is on the minus strand). VCF-style: chr1-23848775-C-T. GRCh37 (hg19) VCF-style: chr1-24175265-C-T.
Other names: short protein forms G345E.
Identifiers: ClinVar variation 381591 (VCV000381591.2), dbSNP rs1057521087, ClinGen allele CA16603590.